The following is an entry in ClinVar:

ClinVar aggregate classification (germline): Likely benign. Review status: criteria provided, multiple submitters, no conflicts (2 of 4 stars). 2 submissions from 2 submitters: Likely benign (2). Last evaluated 2025-08-01.

Conditions:
Hereditary insensitivity to pain with anhidrosis (CIPA). Also called: NTRK1 Congenital Insensitivity to Pain with Anhidrosis; INSENSITIVITY TO PAIN, CONGENITAL, WITH ANHIDROSIS; HSAN Type IV; FAMILIAL DYSAUTONOMIA, TYPE II; NEUROPATHY, CONGENITAL SENSORY, WITH ANHIDROSIS; hereditary sensory and autonomic neuropathy type 4. Identifiers: Orphanet 642, MedGen C0020074, MONDO:0009746, OMIM 256800.

Allele frequency attached by ClinVar (database versions not stated): gnomAD exomes below 0.00001; gnomAD 0.00001; TOPMed 0.00002; ExAC 0.00004; ESP Exome Variant Server 0.00015.
gnomAD v4.1: 4 of 1,560,128 alleles (0.00026%); highest among the groups gnomAD compares: East Asian, 0.0024%; no homozygotes.

Submissions (2):

Mayo Clinic Laboratories, Mayo Clinic
Classification: Likely benign. Last evaluated: 2025-08-01. Review status: criteria provided, single submitter. Criteria: ACMG Guidelines, 2015. Collection method: clinical testing. Allele origin: germline. Observed: 1 variant allele.
Comment: BP4, BP7

Labcorp Genetics (formerly Invitae), Labcorp
Classification: Likely benign for Hereditary insensitivity to pain with anhidrosis. Last evaluated: 2023-12-26. Review status: criteria provided, single submitter. Criteria: Invitae Variant Classification Sherloc (09022015). Collection method: clinical testing. Allele origin: germline.

NM_002529.4(NTRK1):c.1143C>T (p.Asn381=)

Gene: NTRK1 (neurotrophic receptor tyrosine kinase 1; plus strand). Cytogenetic location: 1q23.1.
Variant type: single nucleotide variant.
Coding change: c.1143C>T on transcript NM_002529.4 (MANE Select); coding-DNA position 1143, C replaced by T.
Protein change: p.Asn381=; no amino-acid change (asparagine 381 retained).
Molecular consequence: synonymous variant.
Genome position (GRCh38, 1-based): chr1:156,873,925, C>T. VCF-style: chr1-156873925-C-T. GRCh37 (hg19) VCF-style: chr1-156843717-C-T.
Other names: p.Asn381=; c.1053C>T, p.Asn351= (NM_001007792.1); c.1143C>T, p.Asn381= (NM_001012331.2).
Identifiers: ClinVar variation 765651 (VCV000765651.11), dbSNP rs374700842, ClinGen allele CA1169196.